The following is an entry in ClinVar:

ClinVar aggregate classification (germline): Likely pathogenic (1 of 4 stars; one submission).

Conditions:
Hereditary pancreatitis (PCTT). Also called: Hereditary chronic pancreatitis; PRSS1-Related Hereditary Pancreatitis. Identifiers: Orphanet 676, MedGen C0238339, MONDO:0008185, OMIM 167800.

Submission:

Women's Health and Genetics/Laboratory Corporation of America, LabCorp
Classification: Likely pathogenic for Hereditary pancreatitis. Last evaluated: 2025-12-02. Review status: criteria provided, single submitter. Criteria: LabCorp Variant Classification Summary - May 2015. Collection method: clinical testing. Allele origin: germline.
Comment: Variant summary: SPINK1 c.123G>C (p.Lys41Asn) results in a non-conservative amino acid change in the encoded protein sequence. Algorithms developed to predict the effect of missense changes on protein structure and function are either unavailable or do not agree on the potential impact of this missense change. The variant was absent in 250202 control chromosomes (gnomAD). c.123G>C has been observed in an individual affected with acute recurrent pancreatitis (Terlizzi_2013). At least one publication reports experimental evidence evaluating an impact on protein function, finding that the variant resulted in a near-complete loss of trypsin binding (Szabo_2021). The following publications have been ascertained in the context of this evaluation (PMID: 24217635, 33515547, 37149461). No submitters have cited clinical-significance assessments for this variant to ClinVar. Based on the evidence outlined above, the variant was classified as likely pathogenic.

Literature cited by the submitters: PubMed 33515547; PubMed 37149461; PubMed 24217635.

NM_001379610.1(SPINK1):c.123G>C (p.Lys41Asn)

Gene: SPINK1 (serine peptidase inhibitor Kazal type 1; minus strand). Cytogenetic location: 5q32.
Variant type: single nucleotide variant.
Coding change: c.123G>C on transcript NM_001379610.1 (MANE Select); coding-DNA position 123, G replaced by C.
Protein change: p.Lys41Asn; replaces lysine 41 with asparagine.
Molecular consequence: missense variant.
Genome position (GRCh38, 1-based): chr5:147,828,093, C>G on the plus strand (G>C on the coding strand, the complement: SPINK1 is on the minus strand). VCF-style: chr5-147828093-C-G. GRCh37 (hg19) VCF-style: chr5-147207656-C-G.
Other names: c.123G>C, p.Lys41Asn (NM_001354966.2, NM_003122.5); short protein forms K41N.
Identifiers: ClinVar variation 4688635 (VCV004688635.1).